The following is an entry in ClinVar:

NM_000222.3(KIT):c.953T>C (p.Met318Thr)

Gene: KIT (KIT proto-oncogene, receptor tyrosine kinase; plus strand). Cytogenetic location: 4q12.
Variant type: single nucleotide variant.
Coding change: c.953T>C on transcript NM_000222.3 (MANE Select); coding-DNA position 953, T replaced by C.
Protein change: p.Met318Thr; replaces methionine 318 with threonine.
Molecular consequence: missense variant.
Genome position (GRCh38, 1-based): chr4:54,707,125, T>C. VCF-style: chr4-54707125-T-C. GRCh37 (hg19) VCF-style: chr4-55573291-T-C.
Other names: c.953T>C, p.Met318Thr (NM_001093772.2, NM_001385285.1, NM_001385286.1); c.956T>C, p.Met319Thr (NM_001385284.1, NM_001385288.1, NM_001385290.1 and 1 more transcripts); short protein forms M318T, M319T.
Identifiers: ClinVar variation 4043774 (VCV004043774.1).

ClinVar aggregate classification (germline): Uncertain significance (1 of 4 stars; one submission).

Conditions:
Hereditary cancer-predisposing syndrome. Also called: Neoplastic Syndromes, Hereditary; Tumor predisposition; Hereditary neoplastic syndrome; Hereditary Cancer Syndrome. Identifiers: Orphanet 140162, MedGen C0027672, MeSH D009386, MONDO:0015356.

gnomAD v4.1: 1 of 1,562,326 alleles (0.000064%); highest among the groups gnomAD compares: Non-Finnish European, 0.000088%; no homozygotes.

Submission:

Ambry Genetics
Classification: Uncertain significance for Hereditary cancer-predisposing syndrome. Last evaluated: 2025-06-08. Review status: criteria provided, single submitter. Criteria: Ambry Variant Classification Scheme 2023. Collection method: clinical testing. Allele origin: germline.
Comment: The p.M318T variant (also known as c.953T>C), located in coding exon 6 of the KIT gene, results from a T to C substitution at nucleotide position 953. The methionine at codon 318 is replaced by threonine, an amino acid with similar properties. This amino acid position is conserved. In addition, this alteration is predicted to be tolerated by in silico analysis. Based on the available evidence, the clinical significance of this variant remains unclear.